The following is an entry in ClinVar:

NM_001943.5(DSG2):c.2703A>G (p.Lys901=)

Genes: DSG2 (desmoglein 2; plus strand), DSG2-AS1 (DSG2 antisense RNA 1; minus strand). Cytogenetic location: 18q12.1.
Variant type: single nucleotide variant.
Coding change: c.2703A>G on transcript NM_001943.5 (MANE Select); coding-DNA position 2703, A replaced by G.
Protein change: p.Lys901=; no amino-acid change (lysine 901 retained).
Molecular consequence: synonymous variant.
Genome position (GRCh38, 1-based): chr18:31,546,089, A>G. VCF-style: chr18-31546089-A-G. GRCh37 (hg19) VCF-style: chr18-29126052-A-G.
Other names: p.K901K:AAA>AAG; p.Lys901=; c.2703A>G (LRG_397t1).
Identifiers: ClinVar variation 137165 (VCV000137165.29), dbSNP rs113591687, ClinGen allele CA021874.

ClinVar aggregate classification (germline): Benign/Likely benign. Review status: criteria provided, multiple submitters, no conflicts (2 of 4 stars). 16 submissions from 16 submitters: Benign (8); Likely benign (5). 3 of the submissions do not count toward it. Last evaluated 2026-10-01.

Conditions:
Cardiovascular phenotype. Identifiers: MedGen CN230736.
Arrhythmogenic right ventricular cardiomyopathy (ARVD). Also called: Arrhythmogenic Right Ventricular Cardiomyopathy (ARVC); Arrhythmogenic cardiomyopathy; Cardiomyopathy, ARVC; Arrhythmogenic right ventricular dysplasia. Identifiers: Orphanet 247, MedGen C0349788, MeSH D019571, MONDO:0016587. Disease mechanism: loss of function. Inheritance: Various modes of inheritance.
Cardiomyopathy (CMYO). Also called: Cardiomyopathies. Identifiers: Orphanet 167848, MedGen C0878544, MONDO:0004994, HP:0001638. Inheritance: Various modes of inheritance.
Arrhythmogenic right ventricular dysplasia 10. Also called: ARRHYTHMOGENIC RIGHT VENTRICULAR DYSPLASIA, FAMILIAL, 10; Arrhythmogenic right ventricular dysplasia/cardiomyopathy, type 10; Arrhythmogenic Right Ventricular Dysplasia/Cardiomyopathy10. Identifiers: MedGen C1857777, MONDO:0012434, OMIM 610193.

Allele frequency attached by ClinVar (database versions not stated): gnomAD exomes 0.00011 and 0.00033; ExAC 0.00043; ESP Exome Variant Server 0.00100; gnomAD 0.00107 and 0.00114; 1000 Genomes Project 30x 0.00125; TOPMed 0.00129; 1000 Genomes Project 0.00160.

Submissions (16):

CeGaT Center for Human Genetics Tuebingen
Classification: Likely benign. Last evaluated: 2026-10-01. Review status: criteria provided, single submitter. Criteria: CeGaT Center For Human Genetics Tuebingen Variant Classification Criteria Version 2. Collection method: clinical testing. Allele origin: germline. Affected: yes. Observed: 1 variant allele.
Comment: DSG2: BP4, BP7

Labcorp Genetics (formerly Invitae), Labcorp
Classification: Benign for Arrhythmogenic right ventricular dysplasia 10. Last evaluated: 2026-02-03. Review status: criteria provided, single submitter. Criteria: Invitae Variant Classification Sherloc (09022015). Collection method: clinical testing. Allele origin: germline.

Mayo Clinic Laboratories, Mayo Clinic
Classification: Likely benign. Last evaluated: 2025-05-29. Review status: criteria provided, single submitter. Criteria: ACMG Guidelines, 2015. Collection method: clinical testing. Allele origin: germline. Observed: 2 variant alleles.
Comment: BS1, BP4, BP7

Molecular Diagnostic Laboratory for Inherited Cardiovascular Disease, Montreal Heart Institute
Classification: Benign. Last evaluated: 2025-04-09. Review status: criteria provided, single submitter. Criteria: ACMG Guidelines, 2015. Collection method: clinical testing. Allele origin: germline. Affected: no.

Blueprint Genetics
Classification: Likely benign. Last evaluated: 2024-09-23. Review status: criteria provided, single submitter. Criteria: ACMG Guidelines, 2015. Collection method: clinical testing. Allele origin: germline.

All of Us Research Program, National Institutes of Health
Classification: Benign for Arrhythmogenic right ventricular cardiomyopathy. Last evaluated: 2024-02-05. Review status: criteria provided, single submitter. Criteria: ACMG Guidelines, 2015. Collection method: clinical testing. Allele origin: germline. Inheritance: Autosomal dominant inheritance. Observed: 78 variant alleles, 78 heterozygotes.
Comment: This study involves interpretation of variants in research participants for the purpose of population health screening. Participant phenotype was not available at the time of variant classification. Additional details can be found in publication PMID: 35346344, PMCID: PMC8962531

ARUP Laboratories, Molecular Genetics and Genomics, ARUP Laboratories
Classification: Benign. Last evaluated: 2023-09-28. Review status: criteria provided, single submitter. Criteria: ARUP Molecular Germline Variant Investigation Process 2024. Collection method: clinical testing. Allele origin: germline.

CHEO Genetics Diagnostic Laboratory, Children's Hospital of Eastern Ontario
Classification: Benign for Cardiomyopathy. Last evaluated: 2022-12-30. Review status: criteria provided, single submitter. Criteria: ACMG Guidelines, 2015. Collection method: clinical testing. Allele origin: germline.

Ambry Genetics
Classification: Likely benign for Cardiovascular phenotype. Last evaluated: 2019-05-03. Review status: criteria provided, single submitter. Criteria: Ambry Variant Classification Scheme 2023. Collection method: clinical testing. Allele origin: germline.

Color Diagnostics, LLC DBA Color Health
Classification: Benign for Cardiomyopathy. Last evaluated: 2019-02-01. Review status: criteria provided, single submitter. Criteria: ACMG Guidelines, 2015. Collection method: clinical testing. Allele origin: germline.

Women's Health and Genetics/Laboratory Corporation of America, LabCorp
Classification: Benign. Last evaluated: 2018-07-16. Review status: criteria provided, single submitter. Criteria: LabCorp Variant Classification Summary - May 2015. Collection method: clinical testing. Allele origin: germline.
Comment: Variant summary: DSG2 c.2703A>G alters a non-conserved nucleotide resulting in a synonymous change. 5/5 computational tools predict no significant impact on normal splicing. However, these predictions have yet to be confirmed by functional studies. The observed variant frequency within African control individuals in the gnomAD database is approximately 430 fold of the estimated maximal expected allele frequency for a pathogenic variant in DSG2 causing Arrhythmia phenotype (1e-05), strongly suggesting that the variant is a benign polymorphism found primarily in populations of African origin. To our knowledge, no occurrence of c.2703A>G in individuals affected with Arrhythmia and no experimental evidence demonstrating its impact on protein function have been reported. One clinical diagnostic laboratory has submitted clinical-significance assessments for this variant to ClinVar after 2014 without evidence for independent evaluation. One laboratory classified the variant as benign/likely benign. Based on the evidence outlined above, the variant was classified as benign.

Illumina Laboratory Services, Illumina
Classification: Likely benign for Arrhythmogenic right ventricular dysplasia 10. Last evaluated: 2018-01-13. Review status: criteria provided, single submitter. Criteria: ICSL Variant Classification Criteria 13 December 2019. Collection method: clinical testing. Allele origin: germline.
Comment: This variant was observed in the ICSL laboratory as part of a predisposition screen in an ostensibly healthy population. It had not been previously curated by ICSL or reported in the Human Gene Mutation Database (HGMD: prior to June 1st, 2018), and was therefore a candidate for classification through an automated scoring system. Utilizing variant allele frequency, disease prevalence and penetrance estimates, and inheritance mode, an automated score was calculated to assess if this variant is too frequent to cause the disease. Based on the score and internal cut-off values, a variant classified as likely benign is not then subjected to further curation. The score for this variant resulted in a classification of likely benign for this disease.

GeneDx
Classification: Benign. Last evaluated: 2013-03-15. Review status: criteria provided, single submitter. Criteria: GeneDx Variant Classification (06012015). Collection method: clinical testing. Allele origin: germline. Affected: yes.
Comment: This variant is considered likely benign or benign based on one or more of the following criteria: it is a conservative change, it occurs at a poorly conserved position in the protein, it is predicted to be benign by multiple in silico algorithms, and/or has population frequency not consistent with disease.

Clinical Genetics DNA and cytogenetics Diagnostics Lab, Erasmus MC, Erasmus Medical Center
Classification: Likely benign. Review status: no assertion criteria provided. Collection method: clinical testing. Allele origin: germline. Affected: yes. Study: VKGL Data-share Consensus. Not counted in ClinVar's aggregate classification.

Clinical Genetics, Academic Medical Center
Classification: Benign. Review status: no assertion criteria provided. Collection method: clinical testing. Allele origin: germline. Affected: yes. Study: VKGL Data-share Consensus. Not counted in ClinVar's aggregate classification.

Genome Diagnostics Laboratory, University Medical Center Utrecht
Classification: Likely benign. Review status: no assertion criteria provided. Collection method: clinical testing. Allele origin: germline. Affected: yes. Study: VKGL Data-share Consensus. Not counted in ClinVar's aggregate classification.